The following is an entry in ClinVar:

ClinVar aggregate classification (germline): Likely benign. Review status: reviewed by expert panel (3 of 4 stars). 5 submissions from 5 submitters: Likely benign (1). 4 of the submissions do not count toward it. Last evaluated 2017-06-29.

Conditions:
Breast-ovarian cancer, familial, susceptibility to, 1 (BROVCA1). Also called: BRCA1 Hereditary Breast and Ovarian Cancer; OVARIAN CANCER, SUSCEPTIBILITY TO. Identifiers: Orphanet 145, MedGen C2676676, MONDO:0011450, OMIM 604370. Disease mechanism: loss of function.
Hereditary cancer-predisposing syndrome. Also called: Tumor predisposition; Hereditary Cancer Syndrome; Neoplastic Syndromes, Hereditary; Hereditary neoplastic syndrome. Identifiers: Orphanet 140162, MedGen C0027672, MeSH D009386, MONDO:0015356.
Hereditary breast ovarian cancer syndrome. Also called: Breast and ovarian cancer; Hereditary breast and ovarian cancer; Hereditary breast and ovarian cancer syndrome; Hereditary breast and/or ovarian cancer syndrome; BRCA1- and BRCA2-Associated Hereditary Breast and Ovarian Cancer; Hereditary breast and ovarian cancer syndrome (HBOC). Identifiers: Orphanet 145, MedGen C0677776, MeSH D061325, MONDO:0003582. Disease mechanism: loss of function.

Submissions (5):

Evidence-based Network for the Interpretation of Germline Mutant Alleles (ENIGMA)
Classification: Likely benign for Breast-ovarian cancer, familial, susceptibility to, 1. Last evaluated: 2017-06-29. Review status: reviewed by expert panel. Criteria: ENIGMA BRCA1/2 Classification Criteria (2017-06-29). Collection method: curation. Allele origin: germline.
Comment: Synonymous substitution variant, with low bioinformatic likelihood to result in a splicing aberration (Splicing prior probability 0.02).

Labcorp Genetics (formerly Invitae), Labcorp
Classification: Likely benign for Hereditary breast ovarian cancer syndrome. Last evaluated: 2023-12-17. Review status: criteria provided, single submitter. Criteria: Invitae Variant Classification Sherloc (09022015). Collection method: clinical testing. Allele origin: germline. Not counted in ClinVar's aggregate classification.

All of Us Research Program, National Institutes of Health
Classification: Likely benign for Breast-ovarian cancer, familial, susceptibility to, 1. Last evaluated: 2023-01-10. Review status: criteria provided, single submitter. Criteria: ACMG Guidelines, 2015. Collection method: clinical testing. Allele origin: germline. Inheritance: Autosomal dominant inheritance. Observed: 1 variant allele, 1 heterozygote. Not counted in ClinVar's aggregate classification.
Comment: This study involves interpretation of variants in research participants for the purpose of population health screening. Participant phenotype was not available at the time of variant classification. Additional details can be found in publication PMID: 35346344, PMCID: PMC8962531

Color Diagnostics, LLC DBA Color Health
Classification: Likely benign for Hereditary cancer-predisposing syndrome. Last evaluated: 2019-09-03. Review status: criteria provided, single submitter. Criteria: ACMG Guidelines, 2015. Collection method: clinical testing. Allele origin: germline. Not counted in ClinVar's aggregate classification.

Ambry Genetics
Classification: Likely benign for Hereditary cancer-predisposing syndrome. Last evaluated: 2015-07-23. Review status: criteria provided, single submitter. Criteria: Ambry Variant Classification Scheme 2023. Collection method: clinical testing. Allele origin: germline. Not counted in ClinVar's aggregate classification.

NM_007294.4(BRCA1):c.2535A>C (p.Ile845=)

Gene: BRCA1 (BRCA1 DNA repair associated; minus strand). Cytogenetic location: 17q21.31.
Variant type: single nucleotide variant.
Coding change: c.2535A>C on transcript NM_007294.4 (MANE Select); coding-DNA position 2535, A replaced by C.
Protein change: p.Ile845=; no amino-acid change (isoleucine 845 retained).
Molecular consequence: synonymous variant. On other transcripts: intron variant (137).
Genome position (GRCh38, 1-based): chr17:43,092,996, T>G on the plus strand (A>C on the coding strand, the complement: BRCA1 is on the minus strand). VCF-style: chr17-43092996-T-G. GRCh37 (hg19) VCF-style: chr17-41245013-T-G.
Other names: c.2532A>C, p.Ile844= (NM_001407587.1, NM_001407590.1, NM_001407591.1 and 22 more transcripts); c.2322A>C, p.Ile774= (NM_001407571.1, NM_001407853.1, NM_001407894.1 and 9 more transcripts); c.2535A>C, p.Ile845= (NM_001407581.1, NM_001407593.1, NM_001407582.1 and 30 more transcripts); c.2526A>C, p.Ile842= (NM_001407646.1, NM_001407647.1); c.2412A>C, p.Ile804= (NM_001407648.1, NM_001407664.1, NM_001407665.1 and 19 more transcripts); c.2409A>C, p.Ile803= (NM_001407649.1, NM_001407670.1, NM_001407671.1 and 11 more transcripts); c.2457A>C, p.Ile819= (NM_001407653.1, NM_001407654.1, NM_001407655.1 and 4 more transcripts); c.2454A>C, p.Ile818= (NM_001407659.1, NM_001407660.1, NM_001407661.1 and 1 more transcripts); and 41 more.
Identifiers: ClinVar variation 233186 (VCV000233186.19), dbSNP rs876660248, ClinGen allele CA10580611.